The following is an entry in ClinVar:

NM_015629.4(PRPF31):c.639del (p.Phe214fs)

Gene: PRPF31 (pre-mRNA processing factor 31; plus strand). Cytogenetic location: 19q13.42.
Variant type: Deletion.
Coding change: c.639del on transcript NM_015629.4 (MANE Select); coding-DNA position 639, one base deleted (C; older notation c.639delC).
Protein change: p.Phe214fs; shifts the reading frame from phenylalanine 214.
Molecular consequence: frameshift variant.
Genome position (GRCh38, 1-based): chr19:54,123,860, C deleted; the last of 2 consecutive C bases (chr19:54,123,859-54,123,860); deleting either gives the same sequence. VCF-style (leftmost placement, unchanged base first): chr19-54123858-TC-T. GRCh37 (hg19) VCF-style: chr19-54627237-TC-T.
Other names: short protein forms F214fs.
Identifiers: ClinVar variation 1389075 (VCV001389075.6), dbSNP rs2146421348, ClinGen allele CA2573156807.

ClinVar aggregate classification (germline): Pathogenic (1 of 4 stars; one submission).

Submission:

Labcorp Genetics (formerly Invitae), Labcorp
Classification: Pathogenic. Last evaluated: 2022-07-19. Review status: criteria provided, single submitter. Criteria: Invitae Variant Classification Sherloc (09022015). Collection method: clinical testing. Allele origin: germline.
Comment: For these reasons, this variant has been classified as Pathogenic. ClinVar contains an entry for this variant (Variation ID: 1389075). This variant has not been reported in the literature in individuals affected with PRPF31-related conditions. This variant is not present in population databases (gnomAD no frequency). This sequence change creates a premature translational stop signal (p.Phe214Serfs*25) in the PRPF31 gene. It is expected to result in an absent or disrupted protein product. Loss-of-function variants in PRPF31 are known to be pathogenic (PMID: 18317597, 23950152).

Literature cited by the submitters: PubMed 18317597; PubMed 23950152.